The following is an entry in ClinVar:

ClinVar aggregate classification (germline): Uncertain significance (1 of 4 stars; one submission).

Submission:

Labcorp Genetics (formerly Invitae), Labcorp
Classification: Uncertain significance. Last evaluated: 2025-02-26. Review status: criteria provided, single submitter. Criteria: Invitae Variant Classification Sherloc (09022015). Collection method: clinical testing. Allele origin: germline.
Comment: This sequence change affects a donor splice site in intron 6 of the PMPCB gene. It is expected to disrupt RNA splicing. Variants that disrupt the donor or acceptor splice site typically lead to a loss of protein function (PMID: 16199547), however the current clinical and genetic evidence is not sufficient to establish whether loss-of-function variants in PMPCB cause disease. This variant is not present in population databases (gnomAD no frequency). This variant has not been reported in the literature in individuals affected with PMPCB-related conditions. Algorithms developed to predict the effect of sequence changes on RNA splicing suggest that this variant may disrupt the consensus splice site. In summary, the available evidence is currently insufficient to determine the role of this variant in disease. Therefore, it has been classified as a Variant of Uncertain Significance.

Literature cited by the submitters: PubMed 16199547.

NM_004279.3(PMPCB):c.736+1G>A

Gene: PMPCB (peptidase, mitochondrial processing subunit beta; plus strand). Cytogenetic location: 7q22.1.
Variant type: single nucleotide variant.
Coding change: c.736+1G>A on transcript NM_004279.3 (MANE Select); the canonical splice donor site of the intron after coding-DNA position 736, G replaced by A.
Molecular consequence: splice donor variant.
Genome position (GRCh38, 1-based): chr7:103,304,491, G>A. VCF-style: chr7-103304491-G-A. GRCh37 (hg19) VCF-style: chr7-102944938-G-A.
Other names: c.736+1G>A (NM_001438231.1).
Identifiers: ClinVar variation 4713829 (VCV004713829.1).